The following is an entry in ClinVar:

NM_003489.4(NRIP1):c.2564T>G (p.Val855Gly)

Gene: NRIP1 (nuclear receptor interacting protein 1; minus strand). Cytogenetic location: 21q11.2.
Variant type: single nucleotide variant.
Coding change: c.2564T>G on transcript NM_003489.4 (MANE Select); coding-DNA position 2564, T replaced by G.
Protein change: p.Val855Gly; replaces valine 855 with glycine.
Molecular consequence: missense variant.
Genome position (GRCh38, 1-based): chr21:14,965,629, A>C on the plus strand (T>G on the coding strand, the complement: NRIP1 is on the minus strand). VCF-style: chr21-14965629-A-C. GRCh37 (hg19) VCF-style: chr21-16337950-A-C.
Other names: short protein forms V855G.
Identifiers: ClinVar variation 3699624 (VCV003699624.2).

ClinVar aggregate classification (germline): Uncertain significance (1 of 4 stars; one submission).

gnomAD v4.1: 1 of 1,613,248 alleles (0.000062%); no homozygotes.

Submission:

Labcorp Genetics (formerly Invitae), Labcorp
Classification: Uncertain significance. Last evaluated: 2025-08-04. Review status: criteria provided, single submitter. Criteria: Invitae Variant Classification Sherloc (09022015). Collection method: clinical testing. Allele origin: germline.
Comment: This sequence change replaces valine, which is neutral and non-polar, with glycine, which is neutral and non-polar, at codon 855 of the NRIP1 protein (p.Val855Gly). This variant is not present in population databases (gnomAD no frequency). This variant has not been reported in the literature in individuals affected with NRIP1-related conditions. ClinVar contains an entry for this variant (Variation ID: 3699624). An algorithm developed to predict the effect of missense changes on protein structure and function (PolyPhen-2) suggests that this variant is likely to be tolerated. In summary, the available evidence is currently insufficient to determine the role of this variant in disease. Therefore, it has been classified as a Variant of Uncertain Significance.